The following is an entry in ClinVar:

ClinVar aggregate classification (germline): Pathogenic. Review status: criteria provided, multiple submitters, no conflicts (2 of 4 stars). 2 submissions from 2 submitters: Pathogenic (2). Last evaluated 2024-03-25.

Conditions:
Neurodevelopmental delay. Identifiers: MedGen C4022738, HP:0012758.

Submissions (2):

GeneDx
Classification: Pathogenic. Last evaluated: 2024-03-25. Review status: criteria provided, single submitter. Criteria: GeneDx Variant Classification Process June 2021. Collection method: clinical testing. Allele origin: germline. Affected: yes.
Comment: Canonical splice site variant predicted to result in a null allele in a gene for which loss of function is a known mechanism of disease; Not observed in large population cohorts (gnomAD); Has not been previously published as pathogenic or benign to our knowledge

Centre de Biologie Pathologie Génétique, Centre Hospitalier Universitaire de Lille
Classification: Pathogenic for Neurodevelopmental delay. Review status: criteria provided, single submitter. Criteria: ACMG Guidelines, 2015. Collection method: clinical testing. Allele origin: de novo. Affected: yes.

NM_016628.5(WAC):c.1746+2T>C

Gene: WAC (WW domain containing adaptor with coiled-coil; plus strand). Cytogenetic location: 10p12.1.
Variant type: single nucleotide variant.
Coding change: c.1746+2T>C on transcript NM_016628.5 (MANE Select); the canonical splice donor site of the intron after coding-DNA position 1746, T replaced by C.
Molecular consequence: splice donor variant.
Genome position (GRCh38, 1-based): chr10:28,616,364, T>C. VCF-style: chr10-28616364-T-C. GRCh37 (hg19) VCF-style: chr10-28905293-T-C.
Other names: c.1611+2T>C (NM_100264.3); c.1437+2T>C (NM_100486.4).
Identifiers: ClinVar variation 1700140 (VCV001700140.2), dbSNP rs2132863198, ClinGen allele CA376406062.
Genomic context (GRCh38, chr10:28,616,364, plus strand): 5'-TCAGTGAAAATCTCATAAAACACGTTCAAGGATGGCCTGCAGATCATGCAGAGAAGCAGG[T>C]ATGTTATGTACAGCCTAGATTTTACCTTTGGATGATTAGCAAAACAGAATTTAATCAACT-3'